The following is an entry in ClinVar:

NM_000291.4(PGK1):c.917G>T (p.Gly306Val)

Gene: PGK1 (phosphoglycerate kinase 1; plus strand). Cytogenetic location: Xq21.1.
Variant type: single nucleotide variant.
Coding change: c.917G>T on transcript NM_000291.4 (MANE Select); coding-DNA position 917, G replaced by T.
Protein change: p.Gly306Val; replaces glycine 306 with valine.
Molecular consequence: missense variant.
Genome position (GRCh38, 1-based): chrX:78,123,355, G>T. VCF-style: chrX-78123355-G-T. GRCh37 (hg19) VCF-style: chrX-77378852-G-T.
Other names: short protein forms G306V.
Identifiers: ClinVar variation 397540 (VCV000397540.3), dbSNP rs1060499671, ClinGen allele CA16609421.

ClinVar aggregate classification (germline): Uncertain significance. Review status: criteria provided, multiple submitters, no conflicts (2 of 4 stars). 2 submissions from 2 submitters: Uncertain significance (2). Last evaluated 2025-12-29.

Conditions:
Profound global developmental delay. Identifiers: MedGen C3553450, HP:0012736.
Epileptic encephalopathy. Identifiers: MedGen C0543888, HP:0200134.

Submissions (2):

Labcorp Genetics (formerly Invitae), Labcorp
Classification: Uncertain significance. Last evaluated: 2025-12-29. Review status: criteria provided, single submitter. Criteria: Invitae Variant Classification Sherloc (09022015). Collection method: clinical testing. Allele origin: germline.
Comment: This sequence change replaces glycine, which is neutral and non-polar, with valine, which is neutral and non-polar, at codon 306 of the PGK1 protein (p.Gly306Val). This variant is not present in population databases (gnomAD no frequency). This variant has not been reported in the literature in individuals affected with PGK1-related conditions. ClinVar contains an entry for this variant (Variation ID: 397540). Invitae Evidence Modeling of protein sequence and biophysical properties (such as structural, functional, and spatial information, amino acid conservation, physicochemical variation, residue mobility, and thermodynamic stability) indicates that this missense variant is expected to disrupt PGK1 protein function with a positive predictive value of 80%. In summary, the available evidence is currently insufficient to determine the role of this variant in disease. Therefore, it has been classified as a Variant of Uncertain Significance.

Center of Genomic medicine, Geneva, University Hospital of Geneva
Classification: Uncertain significance for Profound global developmental delay; Epileptic encephalopathy. Last evaluated: 2015-06-17. Review status: criteria provided, single submitter. Criteria: ACMG Guidelines, 2015. Collection method: clinical testing. Allele origin: maternal. Affected: yes.